The following is an entry in ClinVar:

NM_001128840.3(CACNA1D):c.1505+3C>T

Gene: CACNA1D (calcium voltage-gated channel subunit alpha1 D; plus strand). Cytogenetic location: 3p21.1.
Variant type: single nucleotide variant.
Coding change: c.1505+3C>T on transcript NM_001128840.3 (MANE Select); 3 bases into the intron after coding-DNA position 1505, C replaced by T.
Molecular consequence: intron variant.
Genome position (GRCh38, 1-based): chr3:53,719,784, C>T. VCF-style: chr3-53719784-C-T. GRCh37 (hg19) VCF-style: chr3-53753811-C-T.
Other names: c.1505+3C>T (NM_001128839.3); c.1565+3C>T (NM_000720.4).
Identifiers: ClinVar variation 1910698 (VCV001910698.5), dbSNP rs368694091, ClinGen allele CA2454000.
Genomic context (GRCh38, chr3:53,719,784, plus strand): 5'-AGAATCTTAACACTTTTTGTCTTTCTTTCAGTCAAGCCATCTCAAAATCCAAACTCAGGT[C>T]AGTATCTTCTTTCTGTTTCTTCGTCAGCCTGTGTGTTGCCTTTGTATGTTCTCACTTCTG-3'

ClinVar aggregate classification (germline): Uncertain significance (1 of 4 stars; one submission).

Allele frequency attached by ClinVar (database versions not stated): gnomAD exomes 0.00002; TOPMed 0.00003; ExAC 0.00004; gnomAD 0.00005; ESP Exome Variant Server 0.00008.
gnomAD v4.1: 39 of 1,613,042 alleles (0.0024%); highest among the groups gnomAD compares: Non-Finnish European, 0.0033%; no homozygotes.

Submission:

Labcorp Genetics (formerly Invitae), Labcorp
Classification: Uncertain significance. Last evaluated: 2025-05-28. Review status: criteria provided, single submitter. Criteria: Invitae Variant Classification Sherloc (09022015). Collection method: clinical testing. Allele origin: germline.
Comment: This sequence change falls in intron 12 of the CACNA1D gene. It does not directly change the encoded amino acid sequence of the CACNA1D protein. It affects a nucleotide within the consensus splice site. This variant is present in population databases (rs368694091, gnomAD 0.008%). This variant has not been reported in the literature in individuals affected with CACNA1D-related conditions. ClinVar contains an entry for this variant (Variation ID: 1910698). Variants that disrupt the consensus splice site are a relatively common cause of aberrant splicing (PMID: 17576681, 9536098). Algorithms developed to predict the effect of sequence changes on RNA splicing suggest that this variant is not likely to affect RNA splicing. In summary, the available evidence is currently insufficient to determine the role of this variant in disease. Therefore, it has been classified as a Variant of Uncertain Significance.

Literature cited by the submitters: PubMed 17576681; PubMed 9536098.